The following is an entry in ClinVar:

NM_000257.4(MYH7):c.1973T>C (p.Leu658Pro)

Gene: MYH7 (myosin heavy chain 7; minus strand). Cytogenetic location: 14q11.2.
Variant type: single nucleotide variant.
Coding change: c.1973T>C on transcript NM_000257.4 (MANE Select); coding-DNA position 1973, T replaced by C.
Protein change: p.Leu658Pro; replaces leucine 658 with proline.
Molecular consequence: missense variant.
Genome position (GRCh38, 1-based): chr14:23,426,848, A>G on the plus strand (T>C on the coding strand, the complement: MYH7 is on the minus strand). VCF-style: chr14-23426848-A-G. GRCh37 (hg19) VCF-style: chr14-23896057-A-G.
Other names: short protein forms L658P.
Identifiers: ClinVar variation 454347 (VCV000454347.8), dbSNP rs1555338034, ClinGen allele CA389049408.

ClinVar aggregate classification (germline): Uncertain significance (1 of 4 stars; one submission).

Conditions:
Hypertrophic cardiomyopathy. Also called: HYPERTROPHIC MYOCARDIOPATHY. Identifiers: Orphanet 217569, MedGen C0007194, MeSH D002312, MONDO:0005045, HP:0001639.

Submission:

Labcorp Genetics (formerly Invitae), Labcorp
Classification: Uncertain significance for Hypertrophic cardiomyopathy. Last evaluated: 2024-12-30. Review status: criteria provided, single submitter. Criteria: Invitae Variant Classification Sherloc (09022015). Collection method: clinical testing. Allele origin: germline.
Comment: This sequence change replaces leucine, which is neutral and non-polar, with proline, which is neutral and non-polar, at codon 658 of the MYH7 protein (p.Leu658Pro). This variant is not present in population databases (gnomAD no frequency). This variant has not been reported in the literature in individuals affected with MYH7-related conditions. ClinVar contains an entry for this variant (Variation ID: 454347). Invitae Evidence Modeling of protein sequence and biophysical properties (such as structural, functional, and spatial information, amino acid conservation, physicochemical variation, residue mobility, and thermodynamic stability) indicates that this missense variant is expected to disrupt MYH7 protein function with a positive predictive value of 95%. In summary, the available evidence is currently insufficient to determine the role of this variant in disease. Therefore, it has been classified as a Variant of Uncertain Significance.